The following is an entry in ClinVar:

ClinVar aggregate classification (germline): Uncertain significance. Review status: criteria provided, multiple submitters, no conflicts (2 of 4 stars). 3 submissions from 3 submitters: Uncertain significance (3). Last evaluated 2024-06-19.

Conditions:
Cardiomyopathy (CMYO). Also called: Cardiomyopathies. Identifiers: Orphanet 167848, MedGen C0878544, MONDO:0004994, HP:0001638. Inheritance: Various modes of inheritance.

Allele frequency attached by ClinVar (database versions not stated): gnomAD exomes below 0.00001.
gnomAD v4.1: 2 of 1,614,162 alleles (0.00012%); highest among the groups gnomAD compares: South Asian, 0.0022%; no homozygotes.

Submissions (3):

Blueprint Genetics
Classification: Uncertain significance. Last evaluated: 2024-06-19. Review status: criteria provided, single submitter. Criteria: ACMG Guidelines, 2015. Collection method: clinical testing. Allele origin: germline.

Color Diagnostics, LLC DBA Color Health
Classification: Uncertain significance for Cardiomyopathy. Last evaluated: 2024-03-06. Review status: criteria provided, single submitter. Criteria: ACMG Guidelines, 2015. Collection method: clinical testing. Allele origin: germline.
Comment: This missense variant replaces glutamic acid with lysine at codon 2333 of the DSP protein. Computational prediction is inconclusive regarding the impact of this variant on protein structure and function (internally defined REVEL score threshold 0.5 < inconclusive < 0.7, PMID: 27666373). To our knowledge, functional studies have not been reported for this variant. This variant has not been reported in individuals affected with cardiovascular disorders in the literature. This variant has been identified in 1/251448 chromosomes in the general population by the Genome Aggregation Database (gnomAD). The available evidence is insufficient to determine the role of this variant in disease conclusively. Therefore, this variant is classified as a Variant of Uncertain Significance.

CHEO Genetics Diagnostic Laboratory, Children's Hospital of Eastern Ontario
Classification: Uncertain significance for Cardiomyopathy. Last evaluated: 2021-04-29. Review status: criteria provided, single submitter. Criteria: ACMG Guidelines, 2015. Collection method: clinical testing. Allele origin: germline.

NM_004415.4(DSP):c.6997G>A (p.Glu2333Lys)

Gene: DSP (desmoplakin; plus strand). Cytogenetic location: 6p24.3.
Variant type: single nucleotide variant.
Coding change: c.6997G>A on transcript NM_004415.4 (MANE Select); coding-DNA position 6997, G replaced by A.
Protein change: p.Glu2333Lys; replaces glutamic acid 2333 with lysine.
Molecular consequence: missense variant.
Genome position (GRCh38, 1-based): chr6:7,584,259, G>A. VCF-style: chr6-7584259-G-A. GRCh37 (hg19) VCF-style: chr6-7584492-G-A.
Other names: c.5200G>A, p.Glu1734Lys (NM_001008844.3); c.5668G>A, p.Glu1890Lys (NM_001319034.2); short protein forms E1734K, E1890K, E2333K.
Identifiers: ClinVar variation 1329267 (VCV001329267.6), dbSNP rs1490807572, ClinGen allele CA362692007.